The following is an entry in ClinVar:

NM_000179.3(MSH6):c.2027A>T (p.Lys676Ile)

Gene: MSH6 (mutS homolog 6; plus strand). Cytogenetic location: 2p16.3.
Variant type: single nucleotide variant.
Coding change: c.2027A>T on transcript NM_000179.3 (MANE Select); coding-DNA position 2027, A replaced by T.
Protein change: p.Lys676Ile; replaces lysine 676 with isoleucine.
Molecular consequence: missense variant. On other transcripts: non-coding transcript variant (5), intron variant (2).
Genome position (GRCh38, 1-based): chr2:47,800,010, A>T. VCF-style: chr2-47800010-A-T. GRCh37 (hg19) VCF-style: chr2-48027149-A-T.
Other names: c.1730A>T, p.Lys577Ile (NM_001406805.1, NM_001406827.1, NM_001406828.1 and 10 more transcripts); c.1502A>T, p.Lys501Ile (NM_001406806.1, NM_001406807.1, NM_001406799.1); c.2027A>T, p.Lys676Ile (NM_001406808.1, NM_001406809.1, NM_001406796.1 and 3 more transcripts); c.1121A>T, p.Lys374Ile (NM_001406811.1, NM_001406812.1, NM_001406814.1 and 6 more transcripts); c.2033A>T, p.Lys678Ile (NM_001406813.1); c.1859A>T, p.Lys620Ile (NM_001406826.1); c.1606+421A>T (NM_001406817.1); c.628-656A>T (NM_001407362.1); and 3 more; short protein forms K374I, K501I, K546I, K577I, K620I, K650I, K676I, K678I.
Identifiers: ClinVar variation 2682021 (VCV002682021.4), dbSNP rs143643688, ClinGen allele CA346750714.

ClinVar aggregate classification (germline): Uncertain significance. Review status: criteria provided, multiple submitters, no conflicts (2 of 4 stars). 2 submissions from 2 submitters: Uncertain significance (2). Last evaluated 2023-08-09.

Conditions:
Hereditary nonpolyposis colorectal neoplasms. Identifiers: MedGen C0009405, MeSH D003123.

Submissions (2):

Labcorp Genetics (formerly Invitae), Labcorp
Classification: Uncertain significance for Hereditary nonpolyposis colorectal neoplasms. Last evaluated: 2023-08-09. Review status: criteria provided, single submitter. Criteria: Invitae Variant Classification Sherloc (09022015). Collection method: clinical testing. Allele origin: germline.
Comment: In summary, the available evidence is currently insufficient to determine the role of this variant in disease. Therefore, it has been classified as a Variant of Uncertain Significance. This sequence change replaces lysine, which is basic and polar, with isoleucine, which is neutral and non-polar, at codon 676 of the MSH6 protein (p.Lys676Ile). This variant is not present in population databases (gnomAD no frequency). This variant has not been reported in the literature in individuals affected with MSH6-related conditions. Advanced modeling of protein sequence and biophysical properties (such as structural, functional, and spatial information, amino acid conservation, physicochemical variation, residue mobility, and thermodynamic stability) performed at Invitae indicates that this missense variant is not expected to disrupt MSH6 protein function.

Quest Diagnostics Nichols Institute San Juan Capistrano
Classification: Uncertain significance. Last evaluated: 2023-06-07. Review status: criteria provided, single submitter. Criteria: Quest Diagnostics criteria. Collection method: clinical testing. Allele origin: unknown.
Comment: To the best of our knowledge, this variant has not been reported in the published literature. It also has not been reported in large, multi-ethnic general populations (Genome Aggregation Database). Analysis of this variant using bioinformatics tools for the prediction of the effect of amino acid changes on protein structure and function yielded conflicting predictions that this variant is benign or damaging. Based on the available information, we are unable to determine the clinical significance of this variant.